The following is an entry in ClinVar:

NM_014159.7(SETD2):c.3664T>C (p.Phe1222Leu)

Gene: SETD2 (SET domain containing 2, histone lysine methyltransferase; minus strand). Cytogenetic location: 3p21.31.
Variant type: single nucleotide variant.
Coding change: c.3664T>C on transcript NM_014159.7 (MANE Select); coding-DNA position 3664, T replaced by C.
Protein change: p.Phe1222Leu; replaces phenylalanine 1222 with leucine.
Molecular consequence: missense variant. On other transcripts: non-coding transcript variant (1).
Genome position (GRCh38, 1-based): chr3:47,120,972, A>G on the plus strand (T>C on the coding strand, the complement: SETD2 is on the minus strand). VCF-style: chr3-47120972-A-G. GRCh37 (hg19) VCF-style: chr3-47162462-A-G.
Other names: c.3532T>C, p.Phe1178Leu (NM_001349370.3); short protein forms F1178L, F1222L.
Identifiers: ClinVar variation 4535848 (VCV004535848.1).
Genomic context (GRCh38, chr3:47,120,972, plus strand): 5'-CACAAGAGGAAGAAAAACTCAATTCTGTTTTTCCCAGTCTACTATCTGGCCTGTTTTGGA[A>G]AGTGGTCTGTTGCCAAGACTTATTTGGGACATCTTCAAAATCAGAAGAATAAATTGGCAG-3'
Protein context (NP_054878.5, residues 1212-1232): VPNKSWQQTT[Phe1222Leu]QNRPDSRLGK

ClinVar aggregate classification (germline): Uncertain significance (1 of 4 stars; one submission).

gnomAD v4.1: 1 of 1,614,208 alleles (0.000062%); highest among the groups gnomAD compares: Non-Finnish European, 0.000085%; no homozygotes.

Submission:

Women's Health and Genetics/Laboratory Corporation of America, LabCorp
Classification: Uncertain significance. Last evaluated: 2025-09-03. Review status: criteria provided, single submitter. Criteria: LabCorp Variant Classification Summary - May 2015. Collection method: clinical testing. Allele origin: germline.
Comment: Variant summary: SETD2 c.3664T>C (p.Phe1222Leu) results in a non-conservative amino acid change in the encoded protein sequence. Algorithms developed to predict the effect of missense changes on protein structure and function are either unavailable or do not agree on the potential impact of this missense change. The variant was absent in 251318 control chromosomes. The available data on variant occurrences in the general population are insufficient to allow any conclusion about variant significance. To our knowledge, no occurrence of c.3664T>C in individuals affected with SETD2-related conditions and no experimental evidence demonstrating its impact on protein function have been reported. No submitters have cited clinical-significance assessments for this variant to ClinVar. Based on the evidence outlined above, the variant was classified as uncertain significance.